The following is an entry in ClinVar:

ClinVar aggregate classification (germline): Benign/Likely benign. Review status: criteria provided, multiple submitters, no conflicts (2 of 4 stars). 11 submissions from 11 submitters: Benign (3); Likely benign (5). 3 of the submissions do not count toward it. Last evaluated 2026-02-04.

Conditions:
Hereditary cancer-predisposing syndrome. Also called: Hereditary neoplastic syndrome; Neoplastic Syndromes, Hereditary; Tumor predisposition; Hereditary Cancer Syndrome. Identifiers: Orphanet 140162, MedGen C0027672, MeSH D009386, MONDO:0015356.
Hereditary breast ovarian cancer syndrome. Also called: Breast and ovarian cancer; Hereditary breast and ovarian cancer syndrome; Hereditary breast and/or ovarian cancer syndrome; BRCA1- and BRCA2-Associated Hereditary Breast and Ovarian Cancer; Hereditary breast and ovarian cancer; Hereditary breast and ovarian cancer syndrome (HBOC). Identifiers: Orphanet 145, MedGen C0677776, MeSH D061325, MONDO:0003582. Disease mechanism: loss of function.
Breast-ovarian cancer, familial, susceptibility to, 2 (BROVCA2). Also called: BRCA2 Hereditary Breast and Ovarian Cancer. Identifiers: Orphanet 145, MedGen C2675520, MONDO:0012933, OMIM 612555. Disease mechanism: loss of function.
Malignant tumor of breast. Also called: Cancer breast; Malignant breast neoplasm. Identifiers: MedGen C0006142, MONDO:0007254. Disease mechanism: loss of function.

Allele frequency attached by ClinVar (database versions not stated): gnomAD exomes 0.00006 and 0.00016; ExAC 0.00022; ESP Exome Variant Server 0.00038; gnomAD 0.00063 and 0.00066; 1000 Genomes Project 30x 0.00078; 1000 Genomes Project 0.00080; TOPMed 0.00081.
gnomAD v4.1: 201 of 1,609,822 alleles (0.012%); highest among the groups gnomAD compares: African/African-American, 0.21%; no homozygotes.

Submissions (11):

Labcorp Genetics (formerly Invitae), Labcorp
Classification: Benign for Hereditary breast ovarian cancer syndrome. Last evaluated: 2026-02-04. Review status: criteria provided, single submitter. Criteria: Invitae Variant Classification Sherloc (09022015). Collection method: clinical testing. Allele origin: germline.

Center for Genomic Medicine, Rigshospitalet, Copenhagen University Hospital
Classification: Benign. Last evaluated: 2025-12-29. Review status: criteria provided, single submitter. Criteria: ACMG Guidelines, 2015. Collection method: clinical testing. Allele origin: germline.
Comment: Classification criteria: BA1

Blueprint Genetics
Classification: Likely benign. Last evaluated: 2024-09-05. Review status: criteria provided, single submitter. Criteria: ACMG Guidelines, 2015. Collection method: clinical testing. Allele origin: germline.

National Health Laboratory Service, Universitas Academic Hospital and University of the Free State
Classification: Likely benign for Hereditary breast ovarian cancer syndrome. Last evaluated: 2022-04-19. Review status: criteria provided, single submitter. Criteria: ACMG Guidelines, 2015. Collection method: clinical testing. Allele origin: germline. Affected: yes. Observed: 15 variant alleles.

ARUP Laboratories, Molecular Genetics and Genomics, ARUP Laboratories
Classification: Likely benign. Last evaluated: 2020-02-09. Review status: criteria provided, single submitter. Criteria: ARUP Molecular Germline Variant Investigation Process. Collection method: clinical testing. Allele origin: germline.

Color Diagnostics, LLC DBA Color Health
Classification: Likely benign for Hereditary cancer-predisposing syndrome. Last evaluated: 2015-11-16. Review status: criteria provided, single submitter. Criteria: ACMG Guidelines, 2015. Collection method: clinical testing. Allele origin: germline.

Eurofins Ntd Llc (ga)
Classification: Likely benign. Last evaluated: 2015-10-13. Review status: criteria provided, single submitter. Criteria: EGL Classification Definitions 2015. Collection method: clinical testing. Allele origin: germline. Observed: 2 variant alleles, 2 heterozygotes.

GeneDx
Classification: Benign. Last evaluated: 2014-07-01. Review status: criteria provided, single submitter. Criteria: GeneDx Variant Classification (06012015). Collection method: clinical testing. Allele origin: germline. Affected: yes.
Comment: This variant is considered likely benign or benign based on one or more of the following criteria: it is a conservative change, it occurs at a poorly conserved position in the protein, it is predicted to be benign by multiple in silico algorithms, and/or has population frequency not consistent with disease.

Sharing Clinical Reports Project (SCRP)
Classification: Benign for Breast-ovarian cancer, familial 2. Last evaluated: 2009-09-24. Review status: no assertion criteria provided. Collection method: clinical testing. Allele origin: germline. Not counted in ClinVar's aggregate classification.

Breast Cancer Information Core (BIC) (BRCA2)
Classification: Uncertain significance for Breast-ovarian cancer, familial 2. Last evaluated: 2004-02-20. Review status: no assertion criteria provided. Collection method: clinical testing. Allele origin: germline. Affected: yes. Observed: 11 variant alleles. Not counted in ClinVar's aggregate classification.

Department of Pathology and Laboratory Medicine, Sinai Health System
Classification: Uncertain significance for Malignant tumor of breast. Review status: no assertion criteria provided. Collection method: clinical testing. Allele origin: unknown. Affected: yes. Study: The Canadian Open Genetics Repository (COGR). Not counted in ClinVar's aggregate classification.
Comment: The c.-15A>C variant has been previously reported in the literature in one study that looked at in-silico analyses of variants in the 5' untranslated region of the gene (Ozreti 2010). However, this information was not useful in determining the clinical significance of this variant. It is possible that this variant may influence the binding of transcription factors and expression or processing of the BRCA2 mRNA transcript. However, there is limited data to support this claim. It is listed in the dbSNP database (ID#: rs138705202) with a â€šÃ„Ãºglobal minor allele frequency" of 0.001 (1000 genomes), but was not validated. It is possible that this variant is common in a population from a geographic origin that has not been tested by our laboratory such that the full spectrum of benign variation has not yet been defined for this gene and increasing the likelihood that this variant may be benign. However, we cannot rule out that this variant may be implicated in the phenotype of this individual. In summary, the clinical significance of this variant cannot be determined with certainty at this time. Therefore this variant is a variant of unknown significance (VUS).

Literature cited by the submitters: DOI 10.3389/fgene.2022.834265 (cited by National Health Laboratory Service, Universitas Academic Hospital and University of the Free State).

NM_000059.4(BRCA2):c.-15A>C

Gene: BRCA2 (BRCA2 DNA repair associated; plus strand). Cytogenetic location: 13q13.1.
Variant type: single nucleotide variant.
Coding change: c.-15A>C on transcript NM_000059.4 (MANE Select); 15 bases upstream of the start codon, A replaced by C.
Molecular consequence: 5 prime UTR variant.
Genome position (GRCh38, 1-based): chr13:32,316,446, A>C. VCF-style: chr13-32316446-A-C. GRCh37 (hg19) VCF-style: chr13-32890583-A-C.
Other names: 214A>C; 5'UTR214A>C.
Identifiers: ClinVar variation 37714 (VCV000037714.45), dbSNP rs138705202, ClinGen allele CA012602.